The following is an entry in ClinVar:

NM_022124.6(CDH23):c.4138G>C (p.Glu1380Gln)

Genes: C10orf105 (chromosome 10 open reading frame 105; minus strand), CDH23 (cadherin related 23; plus strand). Cytogenetic location: 10q22.1.
Variant type: single nucleotide variant.
Coding change: c.4138G>C on transcript NM_022124.6 (MANE Select); coding-DNA position 4138, G replaced by C.
Protein change: p.Glu1380Gln; replaces glutamic acid 1380 with glutamine.
Molecular consequence: missense variant. On other transcripts: intron variant (1).
Genome position (GRCh38, 1-based): chr10:71,734,273, G>C. VCF-style: chr10-71734273-G-C. GRCh37 (hg19) VCF-style: chr10-73494030-G-C.
Other names: c.-6+3455C>G (NM_001168390.2); short protein forms E1380Q.
Identifiers: ClinVar variation 1717194 (VCV001717194.6), dbSNP rs2494196134, ClinGen allele CA377158307.

ClinVar aggregate classification (germline): Uncertain significance (1 of 4 stars; one submission).

Submission:

Labcorp Genetics (formerly Invitae), Labcorp
Classification: Uncertain significance. Last evaluated: 2022-08-20. Review status: criteria provided, single submitter. Criteria: Invitae Variant Classification Sherloc (09022015). Collection method: clinical testing. Allele origin: germline.
Comment: In summary, the available evidence is currently insufficient to determine the role of this variant in disease. Therefore, it has been classified as a Variant of Uncertain Significance. Algorithms developed to predict the effect of missense changes on protein structure and function are either unavailable or do not agree on the potential impact of this missense change (SIFT: "Deleterious"; PolyPhen-2: "Not Available"; Align-GVGD: "Class C25"). This variant has not been reported in the literature in individuals affected with CDH23-related conditions. This variant is not present in population databases (gnomAD no frequency). This sequence change replaces glutamic acid, which is acidic and polar, with glutamine, which is neutral and polar, at codon 1380 of the CDH23 protein (p.Glu1380Gln).